The following is an entry in ClinVar:

NM_000631.5(NCF4):c.442C>T (p.Arg148Cys)

Gene: NCF4 (neutrophil cytosolic factor 4; plus strand). Cytogenetic location: 22q12.3.
Variant type: single nucleotide variant.
Coding change: c.442C>T on transcript NM_000631.5 (MANE Select); coding-DNA position 442, C replaced by T.
Protein change: p.Arg148Cys; replaces arginine 148 with cysteine.
Molecular consequence: missense variant.
Genome position (GRCh38, 1-based): chr22:36,870,514, C>T. VCF-style: chr22-36870514-C-T. GRCh37 (hg19) VCF-style: chr22-37266556-C-T.
Other names: c.442C>T, p.Arg148Cys (NM_013416.4); short protein forms R148C.
Identifiers: ClinVar variation 1377360 (VCV001377360.7), dbSNP rs770577417, ClinGen allele CA10212990.

ClinVar aggregate classification (germline): Uncertain significance (1 of 4 stars; one submission).

Conditions:
Granulomatous disease, chronic, autosomal recessive, cytochrome b-positive, type 3. Also called: GRANULOMATOUS DISEASE, CHRONIC, DUE TO NCF4 DEFICIENCY; Granulomatous disease, chronic, autosomal recessive, cytochrome b-positive, type III; GRANULOMATOUS DISEASE, CHRONIC, AUTOSOMAL RECESSIVE, 3; CGD, AUTOSOMAL RECESSIVE CYTOCHROME b-POSITIVE, TYPE III. Identifiers: Orphanet 379, MedGen C3151409, MONDO:0013507, OMIM 613960.

Allele frequency attached by ClinVar (database versions not stated): gnomAD 0.00001; TOPMed 0.00001; ExAC 0.00003; gnomAD exomes 0.00004 and 0.00005.
gnomAD v4.1: 83 of 1,613,148 alleles (0.0051%); highest among the groups gnomAD compares: Non-Finnish European, 0.0065%; no homozygotes.

Submission:

Labcorp Genetics (formerly Invitae), Labcorp
Classification: Uncertain significance for Granulomatous disease, chronic, autosomal recessive, cytochrome b-positive, type 3. Last evaluated: 2024-03-12. Review status: criteria provided, single submitter. Criteria: Invitae Variant Classification Sherloc (09022015). Collection method: clinical testing. Allele origin: germline.
Comment: This sequence change replaces arginine, which is basic and polar, with cysteine, which is neutral and slightly polar, at codon 148 of the NCF4 protein (p.Arg148Cys). This variant is present in population databases (rs770577417, gnomAD 0.008%). This variant has not been reported in the literature in individuals affected with NCF4-related conditions. ClinVar contains an entry for this variant (Variation ID: 1377360). An algorithm developed to predict the effect of missense changes on protein structure and function (PolyPhen-2) suggests that this variant is likely to be disruptive. In summary, the available evidence is currently insufficient to determine the role of this variant in disease. Therefore, it has been classified as a Variant of Uncertain Significance.